The following is an entry in ClinVar:

ClinVar aggregate classification (germline): Uncertain significance (1 of 4 stars; one submission).

gnomAD v4.1: 1 of 1,614,076 alleles (0.000062%); highest among the groups gnomAD compares: Non-Finnish European, 0.000085%; no homozygotes.

Submission:

Labcorp Genetics (formerly Invitae), Labcorp
Classification: Uncertain significance. Last evaluated: 2024-07-21. Review status: criteria provided, single submitter. Criteria: Invitae Variant Classification Sherloc (09022015). Collection method: clinical testing. Allele origin: germline.
Comment: This sequence change replaces arginine, which is basic and polar, with glycine, which is neutral and non-polar, at codon 96 of the GPI protein (p.Arg96Gly). This variant is not present in population databases (gnomAD no frequency). This variant has not been reported in the literature in individuals affected with GPI-related conditions. Advanced modeling of protein sequence and biophysical properties (such as structural, functional, and spatial information, amino acid conservation, physicochemical variation, residue mobility, and thermodynamic stability) performed at Invitae indicates that this missense variant is expected to disrupt GPI protein function with a positive predictive value of 80%. In summary, the available evidence is currently insufficient to determine the role of this variant in disease. Therefore, it has been classified as a Variant of Uncertain Significance.

NM_000175.5(GPI):c.286C>G (p.Arg96Gly)

Gene: GPI (glucose-6-phosphate isomerase; plus strand). Cytogenetic location: 19q13.11.
Variant type: single nucleotide variant.
Coding change: c.286C>G on transcript NM_000175.5 (MANE Select); coding-DNA position 286, C replaced by G.
Protein change: p.Arg96Gly; replaces arginine 96 with glycine.
Molecular consequence: missense variant.
Genome position (GRCh38, 1-based): chr19:34,368,586, C>G. VCF-style: chr19-34368586-C-G. GRCh37 (hg19) VCF-style: chr19-34859491-C-G.
Other names: c.403C>G, p.Arg135Gly (NM_001184722.1, NM_001289789.1); c.286C>G, p.Arg96Gly (NM_001289790.3, NM_001329909.1, NM_001329910.1 and 1 more transcripts); short protein forms R135G, R96G.
Identifiers: ClinVar variation 3690273 (VCV003690273.2).
Genomic context (GRCh38, chr19:34,368,586, plus strand): 5'-AGCATGGCTGCCTGGGGTTGGGGGGGGCAGTCTTTATATCCTGACCGTAATCCCCAGGGT[C>G]GAGCCGTGCTGCACGTGGCTCTGCGGAACCGGTCAAACACACCCATCCTGGTAGACGGCA-3'
Protein context (NP_000166.2, residues 86-106): NGEKINYTEG[Arg96Gly]AVLHVALRNR